The following is an entry in ClinVar:

NM_012213.3(MLYCD):c.323G>T (p.Gly108Val)

Gene: MLYCD (malonyl-CoA decarboxylase; plus strand). Cytogenetic location: 16q23.3.
Variant type: single nucleotide variant.
Coding change: c.323G>T on transcript NM_012213.3 (MANE Select); coding-DNA position 323, G replaced by T.
Protein change: p.Gly108Val; replaces glycine 108 with valine.
Molecular consequence: missense variant.
Genome position (GRCh38, 1-based): chr16:83,899,467, G>T. VCF-style: chr16-83899467-G-T. GRCh37 (hg19) VCF-style: chr16-83933072-G-T.
Other names: short protein forms G108V.
Identifiers: ClinVar variation 2146532 (VCV002146532.2), dbSNP rs373241059, ClinGen allele CA285421578.

ClinVar aggregate classification (germline): Uncertain significance. Review status: criteria provided, multiple submitters, no conflicts (2 of 4 stars). 2 submissions from 2 submitters: Uncertain significance (2). Last evaluated 2025-10-18.

Conditions:
Inborn genetic diseases. Identifiers: MedGen C0950123, MeSH D030342.
Deficiency of malonyl-CoA decarboxylase. Also called: Malonic aciduria; MCD deficiency. Identifiers: Orphanet 943, MedGen C0342793, MONDO:0009556, OMIM 248360.

Allele frequency attached by ClinVar (database versions not stated): gnomAD 0.00001; TOPMed 0.00002.
gnomAD v4.1: 7 of 1,546,210 alleles (0.00045%); highest among the groups gnomAD compares: East Asian, 0.0025%; no homozygotes.

Submissions (2):

Ambry Genetics
Classification: Uncertain significance for Inborn genetic diseases. Last evaluated: 2025-10-18. Review status: criteria provided, single submitter. Criteria: Ambry Variant Classification Scheme 2023. Collection method: clinical testing. Allele origin: germline.

Labcorp Genetics (formerly Invitae), Labcorp
Classification: Uncertain significance for Deficiency of malonyl-CoA decarboxylase. Last evaluated: 2022-10-19. Review status: criteria provided, single submitter. Criteria: Invitae Variant Classification Sherloc (09022015). Collection method: clinical testing. Allele origin: germline.
Comment: This sequence change replaces glycine, which is neutral and non-polar, with valine, which is neutral and non-polar, at codon 108 of the MLYCD protein (p.Gly108Val). This variant is present in population databases (rs373241059, gnomAD no frequency). This variant has not been reported in the literature in individuals affected with MLYCD-related conditions. Algorithms developed to predict the effect of missense changes on protein structure and function (SIFT, PolyPhen-2, Align-GVGD) all suggest that this variant is likely to be tolerated. In summary, the available evidence is currently insufficient to determine the role of this variant in disease. Therefore, it has been classified as a Variant of Uncertain Significance.